The following is an entry in ClinVar:

NM_001190274.2(FBXO11):c.1024G>A (p.Gly342Arg)

Gene: FBXO11 (F-box protein 11; minus strand). Cytogenetic location: 2p16.3.
Variant type: single nucleotide variant.
Coding change: c.1024G>A on transcript NM_001190274.2 (MANE Select); coding-DNA position 1024, G replaced by A.
Protein change: p.Gly342Arg; replaces glycine 342 with arginine.
Molecular consequence: missense variant.
Genome position (GRCh38, 1-based): chr2:47,832,981, C>T on the plus strand (G>A on the coding strand, the complement: FBXO11 is on the minus strand). VCF-style: chr2-47832981-C-T. GRCh37 (hg19) VCF-style: chr2-48060120-C-T.
Other names: c.772G>A, p.Gly258Arg (NM_001374325.1, NM_025133.4); short protein forms G258R, G342R.
Identifiers: ClinVar variation 4805918 (VCV004805918.1).
Genomic context (GRCh38, chr2:47,832,981, plus strand): 5'-CTTTATGATTTCAATGTGTATTTTAAATCTTAACATGTCTTACCCTTATTGTCATATATC[C>T]AACATAAGCATCTTCAGAGCCTTCCATAAAAACGAAGGTTGAATCTCTAGTGTTTTCAAT-3'
Protein context (NP_001177203.1, residues 332-352): FMEGSEDAYV[Gly342Arg]YMTIRFNPDD

ClinVar aggregate classification (germline): Uncertain significance (1 of 4 stars; one submission).

Submission:

Labcorp Genetics (formerly Invitae), Labcorp
Classification: Uncertain significance. Last evaluated: 2025-08-14. Review status: criteria provided, single submitter. Criteria: Invitae Variant Classification Sherloc (09022015). Collection method: clinical testing. Allele origin: germline.
Comment: This sequence change replaces glycine, which is neutral and non-polar, with arginine, which is basic and polar, at codon 342 of the FBXO11 protein (p.Gly342Arg). This variant is not present in population databases (gnomAD no frequency). This variant has not been reported in the literature in individuals affected with FBXO11-related conditions. An algorithm developed to predict the effect of missense changes on protein structure and function (PolyPhen-2) suggests that this variant is likely to be disruptive. In summary, the available evidence is currently insufficient to determine the role of this variant in disease. Therefore, it has been classified as a Variant of Uncertain Significance.